The following is an entry in ClinVar:

ClinVar aggregate classification (germline): Uncertain significance (1 of 4 stars; one submission).

Conditions:
Hereditary cancer-predisposing syndrome. Also called: Neoplastic Syndromes, Hereditary; Tumor predisposition; Hereditary neoplastic syndrome; Hereditary Cancer Syndrome. Identifiers: Orphanet 140162, MedGen C0027672, MeSH D009386, MONDO:0015356.

Submission:

Ambry Genetics
Classification: Uncertain significance for Hereditary cancer-predisposing syndrome. Last evaluated: 2026-07-18. Review status: criteria provided, single submitter. Criteria: Ambry Variant Classification Scheme 2023. Collection method: clinical testing. Allele origin: germline.
Comment: The p.I89N variant (also known as c.266T>A), located in coding exon 3 of the FANCC gene, results from a T to A substitution at nucleotide position 266. The isoleucine at codon 89 is replaced by asparagine, an amino acid with dissimilar properties. This amino acid position is conserved. In addition, the in silico prediction for this alteration is inconclusive. Based on the available evidence, the clinical significance of this variant remains unclear.

NM_000136.3(FANCC):c.266T>A (p.Ile89Asn)

Gene: FANCC (FA complementation group C; minus strand). Cytogenetic location: 9q22.32.
Variant type: single nucleotide variant.
Coding change: c.266T>A on transcript NM_000136.3 (MANE Select); coding-DNA position 266, T replaced by A.
Protein change: p.Ile89Asn; replaces isoleucine 89 with asparagine.
Molecular consequence: missense variant.
Genome position (GRCh38, 1-based): chr9:95,240,728, A>T on the plus strand (T>A on the coding strand, the complement: FANCC is on the minus strand). VCF-style: chr9-95240728-A-T. GRCh37 (hg19) VCF-style: chr9-98003010-A-T.
Other names: c.266T>A, p.Ile89Asn (NM_001243743.2, NM_001243744.2); short protein forms I89N.
Identifiers: ClinVar variation 5036471 (VCV005036471.1).